The following is an entry in ClinVar:

ClinVar aggregate classification (germline): Conflicting classifications of pathogenicity. Review status: criteria provided, conflicting classifications (1 of 4 stars). 2 submissions from 2 submitters: Uncertain significance (1); Likely benign (1). Last evaluated 2025-02-04.

Conditions:
Myofibrillar myopathy 5. Also called: FILAMINOPATHY, AUTOSOMAL DOMINANT; Filaminopathy (type). Identifiers: Orphanet 171445, MedGen C1836050, MONDO:0012289, OMIM 609524.
Distal myopathy with posterior leg and anterior hand involvement. Also called: WILLIAMS DISTAL MYOPATHY. Identifiers: Orphanet 63273, MedGen C3279722, MONDO:0013550, OMIM 614065.
Hypertrophic cardiomyopathy 26. Also called: Cardiomyopathy, familial hypertrophic, 26. Identifiers: Orphanet 75249, MedGen C4310749, MONDO:0014883, OMIM 617047.

Allele frequency attached by ClinVar (database versions not stated): gnomAD exomes below 0.00001.

Submissions (2):

Labcorp Genetics (formerly Invitae), Labcorp
Classification: Likely benign for Distal myopathy with posterior leg and anterior hand involvement; Myofibrillar myopathy 5; Hypertrophic cardiomyopathy 26. Last evaluated: 2025-02-04. Review status: criteria provided, single submitter. Criteria: Invitae Variant Classification Sherloc (09022015). Collection method: clinical testing. Allele origin: germline.

GeneDx
Classification: Uncertain significance. Last evaluated: 2023-10-24. Review status: criteria provided, single submitter. Criteria: GeneDx Variant Classification Process June 2021. Collection method: clinical testing. Allele origin: germline. Affected: yes.
Comment: Not observed at significant frequency in large population cohorts (gnomAD); In silico analysis supports that this missense variant has a deleterious effect on protein structure/function; Has not been previously published as pathogenic or benign to our knowledge

NM_001458.5(FLNC):c.2600C>T (p.Ala867Val)

Gene: FLNC (filamin C; plus strand). Cytogenetic location: 7q32.1.
Variant type: single nucleotide variant.
Coding change: c.2600C>T on transcript NM_001458.5 (MANE Select); coding-DNA position 2600, C replaced by T.
Protein change: p.Ala867Val; replaces alanine 867 with valine.
Molecular consequence: missense variant.
Genome position (GRCh38, 1-based): chr7:128,843,278, C>T. VCF-style: chr7-128843278-C-T. GRCh37 (hg19) VCF-style: chr7-128483332-C-T.
Other names: c.2600C>T, p.Ala867Val (NM_001127487.2); short protein forms A867V.
Identifiers: ClinVar variation 849162 (VCV000849162.11), dbSNP rs1352861184, ClinGen allele CA369192441.